The following is an entry in ClinVar:

ClinVar aggregate classification (germline): Likely pathogenic. Review status: criteria provided, single submitter (1 of 4 stars). 2 submissions from 2 submitters: Likely pathogenic (1). 1 of the submissions does not count toward it. Last evaluated 2019-02-27.

Conditions:
Glycosylphosphatidylinositol biosynthesis defect 18. Also called: DEVELOPMENTAL AND EPILEPTIC ENCEPHALOPATHY 95. Identifiers: MedGen C4748357, MONDO:0029140, OMIM 618143.

Allele frequency attached by ClinVar (database versions not stated): TOPMed 0.00001 and below 0.00001; gnomAD 0.00001.
gnomAD v4.1: 3 of 1,613,934 alleles (0.00019%); highest among the groups gnomAD compares: Non-Finnish European, 0.00025%; no homozygotes.

Submissions (2):

SIB Swiss Institute of Bioinformatics
Classification: Likely pathogenic for Glycosylphosphatidylinositol biosynthesis defect 18. Last evaluated: 2019-02-27. Review status: criteria provided, single submitter. Criteria: ACMG Guidelines, 2015. Collection method: curation. Allele origin: unknown.
Comment: This variant is interpreted as a Likely pathogenic for Glycosylphosphatidylinositol biosynthesis defect 18, autosomal recessive. The following ACMG Tag(s) were applied: PM2, PVS1-Moderate, PS3.

OMIM
Classification: Pathogenic for DEVELOPMENTAL AND EPILEPTIC ENCEPHALOPATHY 95. Last evaluated: 2021-05-21. Review status: no assertion criteria provided. Collection method: literature only. Allele origin: germline. Not counted in ClinVar's aggregate classification.

Literature cited by the submitters: PubMed 30269814 (cited by SIB Swiss Institute of Bioinformatics and OMIM).

NM_033198.4(PIGS):c.108G>A (p.Trp36Ter)

Gene: PIGS (phosphatidylinositol glycan anchor biosynthesis class S; minus strand). Cytogenetic location: 17q11.2.
Variant type: single nucleotide variant.
Coding change: c.108G>A on transcript NM_033198.4 (MANE Select); coding-DNA position 108, G replaced by A.
Protein change: p.Trp36Ter; replaces tryptophan 36 with a stop codon.
Molecular consequence: nonsense.
Genome position (GRCh38, 1-based): chr17:28,571,115, C>T on the plus strand (G>A on the coding strand, the complement: PIGS is on the minus strand). VCF-style: chr17-28571115-C-T. GRCh37 (hg19) VCF-style: chr17-26898133-C-T.
Other names: short protein forms W36*.
Identifiers: ClinVar variation 585253 (VCV000585253.4), dbSNP rs1263517814, ClinGen allele CA398361665.